The following is an entry in ClinVar:

NM_000246.4(CIITA):c.1190del (p.Leu397fs)

Gene: CIITA (class II major histocompatibility complex transactivator; plus strand). Cytogenetic location: 16p13.13.
Variant type: Deletion.
Coding change: c.1190del on transcript NM_000246.4 (MANE Select); coding-DNA position 1190, one base deleted (T; older notation c.1190delT).
Protein change: p.Leu397fs; shifts the reading frame from leucine 397.
Molecular consequence: frameshift variant. On other transcripts: intron variant (1).
Genome position (GRCh38, 1-based): chr16:10,906,682, T deleted. VCF-style (leftmost placement, unchanged base first): chr16-10906681-CT-C. GRCh37 (hg19) VCF-style: chr16-11000538-CT-C.
Other names: c.1193del, p.Leu398fs (NM_001286402.1, NM_001379332.1); c.1046del, p.Leu349fs (NM_001379330.1); c.1043del, p.Leu348fs (NM_001379331.1); c.1190del, p.Leu397fs (NM_001379333.1); c.1121del, p.Leu374fs (NM_001379334.1); c.859+1870del (NM_001286403.2); short protein forms L397fs, L349fs, L398fs, L348fs, L374fs.
Identifiers: ClinVar variation 936375 (VCV000936375.7), dbSNP rs2039181631, ClinGen allele CA1139664527.

ClinVar aggregate classification (germline): Pathogenic (1 of 4 stars; one submission).

Conditions:
MHC class II deficiency. Also called: Bare lymphocyte syndrome 2; BLS, TYPE II. Identifiers: Orphanet 572, MedGen C5447452, MONDO:0008855.

Submission:

Labcorp Genetics (formerly Invitae), Labcorp
Classification: Pathogenic for MHC class II deficiency. Last evaluated: 2019-10-09. Review status: criteria provided, single submitter. Criteria: Invitae Variant Classification Sherloc (09022015). Collection method: clinical testing. Allele origin: germline.
Comment: Loss-of-function variants in CIITA are known to be pathogenic (PMID: 8402893, 9099848, 26271388). This variant is not present in population databases (ExAC no frequency). This variant has not been reported in the literature in individuals with CIITA-related conditions. This sequence change creates a premature translational stop signal (p.Leu397Argfs*19) in the CIITA gene. It is expected to result in an absent or disrupted protein product. For these reasons, this variant has been classified as Pathogenic.

Literature cited by the submitters: PubMed 8402893; PubMed 9099848; PubMed 26271388.